The following is an entry in ClinVar:

ClinVar aggregate classification (germline): Uncertain significance. Review status: criteria provided, multiple submitters, no conflicts (2 of 4 stars). 2 submissions from 2 submitters: Uncertain significance (2). Last evaluated 2025-05-20.

Conditions:
Inborn genetic diseases. Identifiers: MedGen C0950123, MeSH D030342.

Allele frequency attached by ClinVar (database versions not stated): ExAC 0.00001; TOPMed 0.00001; gnomAD 0.00003.
gnomAD v4.1: 10 of 1,613,996 alleles (0.00062%); highest among the groups gnomAD compares: African/African-American, 0.0067%; no homozygotes.

Submissions (2):

Ambry Genetics
Classification: Uncertain significance for Inborn genetic diseases. Last evaluated: 2025-05-20. Review status: criteria provided, single submitter. Criteria: Ambry Variant Classification Scheme 2023. Collection method: clinical testing. Allele origin: germline.

Labcorp Genetics (formerly Invitae), Labcorp
Classification: Uncertain significance. Last evaluated: 2022-05-12. Review status: criteria provided, single submitter. Criteria: Invitae Variant Classification Sherloc (09022015). Collection method: clinical testing. Allele origin: germline.
Comment: Algorithms developed to predict the effect of missense changes on protein structure and function (SIFT, PolyPhen-2, Align-GVGD) all suggest that this variant is likely to be tolerated. This variant has not been reported in the literature in individuals affected with POLR3A-related conditions. This variant is present in population databases (rs749554502, gnomAD 0.008%). This sequence change replaces proline, which is neutral and non-polar, with leucine, which is neutral and non-polar, at codon 537 of the POLR3A protein (p.Pro537Leu). In summary, the available evidence is currently insufficient to determine the role of this variant in disease. Therefore, it has been classified as a Variant of Uncertain Significance.

NM_007055.4(POLR3A):c.1610C>T (p.Pro537Leu)

Gene: POLR3A (RNA polymerase III subunit A; minus strand). Cytogenetic location: 10q22.3.
Variant type: single nucleotide variant.
Coding change: c.1610C>T on transcript NM_007055.4 (MANE Select); coding-DNA position 1610, C replaced by T.
Protein change: p.Pro537Leu; replaces proline 537 with leucine.
Molecular consequence: missense variant.
Genome position (GRCh38, 1-based): chr10:78,010,503, G>A on the plus strand (C>T on the coding strand, the complement: POLR3A is on the minus strand). VCF-style: chr10-78010503-G-A. GRCh37 (hg19) VCF-style: chr10-79770261-G-A.
Other names: c.1610C>T (NM_007055.3); short protein forms P537L.
Identifiers: ClinVar variation 1388999 (VCV001388999.6), dbSNP rs749554502, ClinGen allele CA5571388.